The following is an entry in ClinVar:

ClinVar aggregate classification (germline): Likely pathogenic (1 of 4 stars; one submission).

Submission:

Labcorp Genetics (formerly Invitae), Labcorp
Classification: Likely pathogenic. Last evaluated: 2025-08-12. Review status: criteria provided, single submitter. Criteria: Invitae Variant Classification Sherloc (09022015). Collection method: clinical testing. Allele origin: germline.
Comment: This sequence change replaces glycine, which is neutral and non-polar, with alanine, which is neutral and non-polar, at codon 1347 of the COL7A1 protein (p.Gly1347Ala). This variant is not present in population databases (gnomAD no frequency). This variant has not been reported in the literature in individuals affected with COL7A1-related conditions. Invitae Evidence Modeling of protein sequence and biophysical properties (such as structural, functional, and spatial information, amino acid conservation, physicochemical variation, residue mobility, and thermodynamic stability) indicates that this missense variant is expected to disrupt COL7A1 protein function with a positive predictive value of 95%. This variant disrupts the triple helix domain of COL7A1. Glycine residues within the Gly-Xaa-Yaa repeats of the triple helix domain are required for the structure and stability of fibrillar collagens (PMID: 7695699, 8218237, 19344236), and variants at these glycine residues in COL7A1 are more frequently observed in individuals with disease than in the general population (PMID: 22058051). However, the clinical significance of this observation remains uncertain since only a limited number of affected individuals have been described to date. This variant disrupts the p.Gly1347 amino acid residue in COL7A1. Other variant(s) that disrupt this residue have been determined to be pathogenic (PMID: 16484981, 18565177). This suggests that this residue is clinically significant, and that variants that disrupt this residue are likely to be disease-causing. In summary, the currently available evidence indicates that the variant is pathogenic, but additional data are needed to prove that conclusively. Therefore, this variant has been classified as Likely Pathogenic.

Literature cited by the submitters: PubMed 7695699; PubMed 8218237; PubMed 19344236; PubMed 22058051; PubMed 16484981; PubMed 18565177.

NM_000094.4(COL7A1):c.4040G>C (p.Gly1347Ala)

Gene: COL7A1 (collagen type VII alpha 1 chain; minus strand). Cytogenetic location: 3p21.31.
Variant type: single nucleotide variant.
Coding change: c.4040G>C on transcript NM_000094.4 (MANE Select); coding-DNA position 4040, G replaced by C.
Protein change: p.Gly1347Ala; replaces glycine 1347 with alanine.
Molecular consequence: missense variant.
Genome position (GRCh38, 1-based): chr3:48,584,741, C>G on the plus strand (G>C on the coding strand, the complement: COL7A1 is on the minus strand). VCF-style: chr3-48584741-C-G. GRCh37 (hg19) VCF-style: chr3-48622174-C-G.
Other names: short protein forms G1347A.
Identifiers: ClinVar variation 4801663 (VCV004801663.1).